The following is an entry in ClinVar:

NM_001042492.3(NF1):c.7804A>G (p.Asn2602Asp)

Gene: NF1 (neurofibromin 1; plus strand). Cytogenetic location: 17q11.2.
Variant type: single nucleotide variant.
Coding change: c.7804A>G on transcript NM_001042492.3 (MANE Select); coding-DNA position 7804, A replaced by G.
Protein change: p.Asn2602Asp; replaces asparagine 2602 with aspartic acid.
Molecular consequence: missense variant.
Genome position (GRCh38, 1-based): chr17:31,357,025, A>G. VCF-style: chr17-31357025-A-G. GRCh37 (hg19) VCF-style: chr17-29684043-A-G.
Other names: c.7741A>G, p.Asn2581Asp (NM_000267.4); short protein forms N2581D, N2602D.
Identifiers: ClinVar variation 233280 (VCV000233280.14), dbSNP rs150657839, ClinGen allele CA10580422.

ClinVar aggregate classification (germline): Conflicting classifications of pathogenicity. Review status: criteria provided, conflicting classifications (1 of 4 stars). 5 submissions from 4 submitters: Uncertain significance (4); Likely benign (1). Last evaluated 2024-11-20.

Conditions:
Cardiovascular phenotype. Identifiers: MedGen CN230736.
Hereditary cancer-predisposing syndrome. Also called: Tumor predisposition; Hereditary Cancer Syndrome; Hereditary neoplastic syndrome; Neoplastic Syndromes, Hereditary. Identifiers: Orphanet 140162, MedGen C0027672, MeSH D009386, MONDO:0015356.
Neurofibromatosis, type 1 (NF1). Also called: VON RECKLINGHAUSEN DISEASE; NEUROFIBROMATOSIS, TYPE I, SOMATIC; Peripheral type neurofibromatosis; Neurofibromatosis, type I. Identifiers: Orphanet 636, MedGen C0027831, MONDO:0018975, OMIM 162200. Disease mechanism: loss of function.
Neurofibromatosis, familial spinal (FSNF). Identifiers: Orphanet 636, MedGen C1834235, MONDO:0008078, OMIM 162210. Disease mechanism: loss of function.
Juvenile myelomonocytic leukemia (JMML). Also called: LEUKEMIA, JUVENILE MYELOMONOCYTIC, SOMATIC. Identifiers: Orphanet 86834, MedGen C0349639, MONDO:0011908, OMIM 607785, HP:0012209.
Neurofibromatosis-Noonan syndrome (NFNS). Also called: NEUROFIBROMATOSIS WITH NOONAN PHENOTYPE. Identifiers: Orphanet 638, MedGen C2931482, MONDO:0011035, OMIM 601321. Disease mechanism: loss of function.
Café-au-lait macules with pulmonary stenosis (WTSN). Also called: PULMONIC STENOSIS WITH CAFE-AU-LAIT SPOTS. Identifiers: MedGen C0553586, MONDO:0008672, OMIM 193520.

Allele frequency attached by ClinVar (database versions not stated): gnomAD exomes below 0.00001; TOPMed 0.00001; ESP Exome Variant Server 0.00008.
gnomAD v4.1: 1 of 1,614,006 alleles (0.000062%); highest among the groups gnomAD compares: Non-Finnish European, 0.000085%; no homozygotes.

Submissions (5):

Ambry Genetics
Classification: Likely benign for Cardiovascular phenotype; Hereditary cancer-predisposing syndrome. Last evaluated: 2024-11-20. Review status: criteria provided, single submitter. Criteria: Ambry Variant Classification Scheme 2023. Collection method: clinical testing. Allele origin: germline.

Fulgent Genetics
Classification: Uncertain significance for Neurofibromatosis, type 1; Neurofibromatosis, familial spinal; Café-au-lait macules with pulmonary stenosis; Neurofibromatosis-Noonan syndrome; Juvenile myelomonocytic leukemia. Last evaluated: 2024-02-24. Review status: criteria provided, single submitter. Criteria: ACMG Guidelines, 2015. Collection method: clinical testing. Allele origin: germline.

Labcorp Genetics (formerly Invitae), Labcorp
Classification: Uncertain significance for Neurofibromatosis, type 1. Last evaluated: 2022-08-23. Review status: criteria provided, single submitter. Criteria: Invitae Variant Classification Sherloc (09022015). Collection method: clinical testing. Allele origin: germline.
Comment: Advanced modeling of protein sequence and biophysical properties (such as structural, functional, and spatial information, amino acid conservation, physicochemical variation, residue mobility, and thermodynamic stability) performed at Invitae indicates that this missense variant is not expected to disrupt NF1 protein function. ClinVar contains an entry for this variant (Variation ID: 233280). This variant has not been reported in the literature in individuals affected with NF1-related conditions. This variant is not present in population databases (gnomAD no frequency). This sequence change replaces asparagine, which is neutral and polar, with aspartic acid, which is acidic and polar, at codon 2581 of the NF1 protein (p.Asn2581Asp). Algorithms developed to predict the effect of sequence changes on RNA splicing suggest that this variant may create or strengthen a splice site. In summary, the available evidence is currently insufficient to determine the role of this variant in disease. Therefore, it has been classified as a Variant of Uncertain Significance.

Genome-Nilou Lab
Classification: Uncertain significance for Neurofibromatosis, type 1. Last evaluated: 2022-03-15. Review status: criteria provided, single submitter. Criteria: ACMG Guidelines, 2015. Collection method: clinical testing. Allele origin: germline. Affected: no.

Ambry Genetics
Classification: Uncertain significance for Hereditary cancer-predisposing syndrome. Last evaluated: 2015-08-06. Review status: criteria provided, single submitter. Criteria: Ambry Autosomal Dominant and X-Linked criteria (10/2015). Collection method: clinical testing. Allele origin: germline. Observed: 1 variant allele.
Comment: The p.N2602D variant (also known as c.7804A>G), located in coding exon 53 of the NF1 gene, results from an A to G substitution at nucleotide position 7804. The asparagine at codon 2602 is replaced by aspartic acid, an amino acid with highly similar properties. This variant was previously reported in the SNPDatabase as rs150657839. Based on data from the NHLBI Exome Sequencing Project (ESP), the G allele has an overall frequency of approximately 0.01% (1/13006) total alleles studied, having been observed in0.01% (1/8600) European American alleles. This variant was not reported in the 1000 Genomes Project population-based cohort.To date, this alteration has been detected with an allele frequency of approximately 0.002% (greater than 55000alleles tested) in our clinical cohort.This amino acid position is highly conserved in available vertebrate species. In addition, this alteration is predicted to be tolerated by in silico analysis.Since supporting evidence is limited at this time, the clinical significance of p.N2602Dremains unclear.